The following is an entry in ClinVar:

NM_152713.5(STT3A):c.768T>C (p.Phe256=)

Gene: STT3A (STT3 oligosaccharyltransferase complex catalytic subunit A; plus strand). Cytogenetic location: 11q24.2.
Variant type: single nucleotide variant.
Coding change: c.768T>C on transcript NM_152713.5 (MANE Select); coding-DNA position 768, T replaced by C.
Protein change: p.Phe256=; no amino-acid change (phenylalanine 256 retained).
Molecular consequence: synonymous variant.
Genome position (GRCh38, 1-based): chr11:125,606,453, T>C. VCF-style: chr11-125606453-T-C. GRCh37 (hg19) VCF-style: chr11-125476348-T-C.
Other names: c.768T>C, p.Phe256= (NM_001278503.2); c.492T>C, p.Phe164= (NM_001278504.2).
Identifiers: ClinVar variation 385860 (VCV000385860.6), dbSNP rs200885192, ClinGen allele CA6348913.
Genomic context (GRCh38, chr11:125,606,453, plus strand): 5'-CTATGTGGCCTACTGTACTGTTTACTGCCTGGGCACTATACTTTCTATGCAGATCTCCTT[T>C]GTGGGTTTCCAGGTGAGCCCTTGACTGAGTAGGGTTTTCAGCTTCTACTTTTTCTATGCA-3'
Protein context (NP_689926.1, residues 246-266): LGTILSMQIS[Phe256=]VGFQPVLSSE

ClinVar aggregate classification (germline): Likely benign. Review status: criteria provided, multiple submitters, no conflicts (2 of 4 stars). 2 submissions from 2 submitters: Likely benign (2). Last evaluated 2024-04-04.

Allele frequency attached by ClinVar (database versions not stated): gnomAD exomes 0.00007 and 0.00003; TOPMed 0.00003; ExAC 0.00006; 1000 Genomes Project 30x 0.00016; gnomAD 0.00004; 1000 Genomes Project 0.00020.
gnomAD v4.1: 68 of 1,613,070 alleles (0.0042%); highest among the groups gnomAD compares: Non-Finnish European, 0.0014%; no homozygotes.

Submissions (2):

Labcorp Genetics (formerly Invitae), Labcorp
Classification: Likely benign. Last evaluated: 2024-04-04. Review status: criteria provided, single submitter. Criteria: Invitae Variant Classification Sherloc (09022015). Collection method: clinical testing. Allele origin: germline.

GeneDx
Classification: Likely benign. Last evaluated: 2016-11-04. Review status: criteria provided, single submitter. Criteria: GeneDx Variant Classification (06012015). Collection method: clinical testing. Allele origin: germline. Affected: yes.
Comment: This variant is considered likely benign or benign based on one or more of the following criteria: it is a conservative change, it occurs at a poorly conserved position in the protein, it is predicted to be benign by multiple in silico algorithms, and/or has population frequency not consistent with disease.